The following is an entry in ClinVar:

NM_018960.6(GNMT):c.546C>A (p.His182Gln)

Genes: CNPY3-GNMT (CNPY3-GNMT readthrough; plus strand), GNMT (glycine N-methyltransferase; plus strand). Cytogenetic location: 6p21.1.
Variant type: single nucleotide variant.
Coding change: c.546C>A on transcript NM_018960.6 (MANE Select); coding-DNA position 546, C replaced by A.
Protein change: p.His182Gln; replaces histidine 182 with glutamine.
Molecular consequence: missense variant. On other transcripts: intron variant (1).
Genome position (GRCh38, 1-based): chr6:42,963,166, C>A. VCF-style: chr6-42963166-C-A. GRCh37 (hg19) VCF-style: chr6-42930904-C-A.
Other names: c.348C>A, p.His116Gln (NM_001318856.2); c.363C>A, p.His121Gln (NM_001318857.2); c.489C>A, p.His163Gln (NM_001318865.2); c.269-14C>A (NM_001318858.2); short protein forms H116Q, H121Q, H163Q, H182Q.
Identifiers: ClinVar variation 4279717 (VCV004279717.1).

ClinVar aggregate classification (germline): Uncertain significance (1 of 4 stars; one submission).

Conditions:
Glycine N-methyltransferase deficiency. Also called: GNMT DEFICIENCY. Identifiers: Orphanet 289891, MedGen C1847720, MONDO:0011698, OMIM 606664.

Submission:

Clinical Genomics Laboratory, Washington University in St. Louis
Classification: Uncertain significance for Glycine N-methyltransferase deficiency. Last evaluated: 2025-03-14. Review status: criteria provided, single submitter. Criteria: ACMG Guidelines, 2015. Collection method: clinical testing. Allele origin: germline.
Comment: The GNMT c.546C>A (p.His182Gln) variant, to our knowledge, has not been reported in the medical literature. This variant is absent from the general population (gnomAD v.2.1.1), indicating it is not a common variant. Computational predictors suggest that the variant does not GNMT function. Due to limited information, and based on ACMG/AMP guidelines for variant interpretation (Richards S et al., PMID: 25741868), the clinical significance of this variant is uncertain at this time.